The following is an entry in ClinVar:

NM_017612.5(ZCCHC8):c.1495G>A (p.Asp499Asn)

Gene: ZCCHC8 (zinc finger CCHC-type containing 8; minus strand). Cytogenetic location: 12q24.31.
Variant type: single nucleotide variant.
Coding change: c.1495G>A on transcript NM_017612.5 (MANE Select); coding-DNA position 1495, G replaced by A.
Protein change: p.Asp499Asn; replaces aspartic acid 499 with asparagine.
Molecular consequence: missense variant.
Genome position (GRCh38, 1-based): chr12:122,474,126, C>T on the plus strand (G>A on the coding strand, the complement: ZCCHC8 is on the minus strand). VCF-style: chr12-122474126-C-T. GRCh37 (hg19) VCF-style: chr12-122958673-C-T.
Other names: c.1264G>A, p.Asp422Asn (NM_001350935.2); c.1198G>A, p.Asp400Asn (NM_001350936.2); c.781G>A, p.Asp261Asn (NM_001350937.2, NM_001350938.2); short protein forms D400N, D499N, D261N, D422N.
Identifiers: ClinVar variation 1373435 (VCV001373435.6), dbSNP rs575153847, ClinGen allele CA6846154.

ClinVar aggregate classification (germline): Uncertain significance (1 of 4 stars; one submission).

Allele frequency attached by ClinVar (database versions not stated): TOPMed 0.00002; gnomAD 0.00004; gnomAD exomes 0.00007; ExAC 0.00011.

Submission:

Labcorp Genetics (formerly Invitae), Labcorp
Classification: Uncertain significance. Last evaluated: 2023-05-22. Review status: criteria provided, single submitter. Criteria: Invitae Variant Classification Sherloc (09022015). Collection method: clinical testing. Allele origin: germline.
Comment: This variant has not been reported in the literature in individuals affected with ZCCHC8-related conditions. In summary, the available evidence is currently insufficient to determine the role of this variant in disease. Therefore, it has been classified as a Variant of Uncertain Significance. Advanced modeling of protein sequence and biophysical properties (such as structural, functional, and spatial information, amino acid conservation, physicochemical variation, residue mobility, and thermodynamic stability) performed at Invitae indicates that this missense variant is not expected to disrupt ZCCHC8 protein function. ClinVar contains an entry for this variant (Variation ID: 1373435). This variant is present in population databases (rs575153847, gnomAD 0.01%). This sequence change replaces aspartic acid, which is acidic and polar, with asparagine, which is neutral and polar, at codon 499 of the ZCCHC8 protein (p.Asp499Asn).